The following is an entry in ClinVar:

NM_002470.4(MYH3):c.3305G>A (p.Gly1102Asp)

Gene: MYH3 (myosin heavy chain 3; minus strand). Cytogenetic location: 17p13.1.
Variant type: single nucleotide variant.
Coding change: c.3305G>A on transcript NM_002470.4 (MANE Select); coding-DNA position 3305, G replaced by A.
Protein change: p.Gly1102Asp; replaces glycine 1102 with aspartic acid.
Molecular consequence: missense variant.
Genome position (GRCh38, 1-based): chr17:10,638,907, C>T on the plus strand (G>A on the coding strand, the complement: MYH3 is on the minus strand). VCF-style: chr17-10638907-C-T. GRCh37 (hg19) VCF-style: chr17-10542224-C-T.
Other names: short protein forms G1102D.
Identifiers: ClinVar variation 1897580 (VCV001897580.5), dbSNP rs2508595864, ClinGen allele CA398153339.
Genomic context (GRCh38, chr17:10,638,907, plus strand): 5'-AAGAGAGAAATGCAGAGGGCTCCTACCTGCAACTCTTTGATTTTCTTCTGAAACTGGAGG[C>T]CCAGTGTCTGCTCATCTTCCACTTTGCTTTGAAGTTGACAATATTCAAAATCTTTCCTGT-3'
Protein context (NP_002461.2, residues 1092-1112): QSKVEDEQTL[Gly1102Asp]LQFQKKIKEL

ClinVar aggregate classification (germline): Uncertain significance (1 of 4 stars; one submission).

Allele frequency attached by ClinVar (database versions not stated): gnomAD exomes below 0.00001.
gnomAD v4.1: 1 of 1,614,118 alleles (0.000062%); highest among the groups gnomAD compares: Admixed American, 0.0017%; no homozygotes.

Submission:

Labcorp Genetics (formerly Invitae), Labcorp
Classification: Uncertain significance. Last evaluated: 2024-10-28. Review status: criteria provided, single submitter. Criteria: Invitae Variant Classification Sherloc (09022015). Collection method: clinical testing. Allele origin: germline.
Comment: This sequence change replaces glycine, which is neutral and non-polar, with aspartic acid, which is acidic and polar, at codon 1102 of the MYH3 protein (p.Gly1102Asp). This variant is not present in population databases (gnomAD no frequency). This variant has not been reported in the literature in individuals affected with MYH3-related conditions. ClinVar contains an entry for this variant (Variation ID: 1897580). Invitae Evidence Modeling of protein sequence and biophysical properties (such as structural, functional, and spatial information, amino acid conservation, physicochemical variation, residue mobility, and thermodynamic stability) indicates that this missense variant is not expected to disrupt MYH3 protein function with a negative predictive value of 95%. In summary, the available evidence is currently insufficient to determine the role of this variant in disease. Therefore, it has been classified as a Variant of Uncertain Significance.